The following is an entry in ClinVar:

ClinVar aggregate classification (germline): Uncertain significance (1 of 4 stars; one submission).

Submission:

Labcorp Genetics (formerly Invitae), Labcorp
Classification: Uncertain significance. Last evaluated: 2025-08-04. Review status: criteria provided, single submitter. Criteria: Invitae Variant Classification Sherloc (09022015). Collection method: clinical testing. Allele origin: germline.
Comment: This sequence change replaces serine, which is neutral and polar, with phenylalanine, which is neutral and non-polar, at codon 231 of the DPF2 protein (p.Ser231Phe). This variant is not present in population databases (gnomAD no frequency). This variant has not been reported in the literature in individuals affected with DPF2-related conditions. An algorithm developed to predict the effect of missense changes on protein structure and function (PolyPhen-2) suggests that this variant is likely to be tolerated. In summary, the available evidence is currently insufficient to determine the role of this variant in disease. Therefore, it has been classified as a Variant of Uncertain Significance.

NM_006268.5(DPF2):c.692C>T (p.Ser231Phe)

Gene: DPF2 (double PHD fingers 2; plus strand). Cytogenetic location: 11q13.1.
Variant type: single nucleotide variant.
Coding change: c.692C>T on transcript NM_006268.5 (MANE Select); coding-DNA position 692, C replaced by T.
Protein change: p.Ser231Phe; replaces serine 231 with phenylalanine.
Molecular consequence: missense variant.
Genome position (GRCh38, 1-based): chr11:65,345,720, C>T. VCF-style: chr11-65345720-C-T. GRCh37 (hg19) VCF-style: chr11-65113191-C-T.
Other names: c.734C>T, p.Ser245Phe (NM_001330308.2); short protein forms S231F, S245F.
Identifiers: ClinVar variation 4716943 (VCV004716943.1).
Genomic context (GRCh38, chr11:65,345,720, plus strand): 5'-ACTCAGTTTGTGGAAAACGTTACAAGAACCGACCAGGCCTCAGTTACCACTATGCCCACT[C>T]CCACTTGGCTGAGGAGGAGGGCGAGGACAAGGAAGACTCTCAACCACCCACTCCTGTTTC-3'
Protein context (NP_006259.1, residues 221-241): RPGLSYHYAH[Ser231Phe]HLAEEEGEDK